The following is an entry in ClinVar:

NM_020937.4(FANCM):c.2328C>G (p.Ser776Arg)

Gene: FANCM (FA complementation group M; plus strand). Cytogenetic location: 14q21.2.
Variant type: single nucleotide variant.
Coding change: c.2328C>G on transcript NM_020937.4 (MANE Select); coding-DNA position 2328, C replaced by G.
Protein change: p.Ser776Arg; replaces serine 776 with arginine.
Molecular consequence: missense variant.
Genome position (GRCh38, 1-based): chr14:45,175,082, C>G. VCF-style: chr14-45175082-C-G. GRCh37 (hg19) VCF-style: chr14-45644285-C-G.
Other names: c.2250C>G, p.Ser750Arg (NM_001308133.2); short protein forms S776R, S750R.
Identifiers: ClinVar variation 1036669 (VCV001036669.8), dbSNP rs1181869875, ClinGen allele CA389597389.

ClinVar aggregate classification (germline): Uncertain significance. Review status: criteria provided, multiple submitters, no conflicts (2 of 4 stars). 2 submissions from 2 submitters: Uncertain significance (2). Last evaluated 2024-04-25.

Conditions:
Spermatogenic failure 28. Identifiers: MedGen C4748117, MONDO:0054732, OMIM 618086.
Premature ovarian failure 15. Identifiers: MedGen C4748170, MONDO:0054862, OMIM 618096.
Fanconi anemia (FA). Also called: Fanconi's anemia. Identifiers: Orphanet 84, MedGen C0015625, MeSH D005199, MONDO:0019391.

Submissions (2):

Fulgent Genetics
Classification: Uncertain significance for Spermatogenic failure 28; Premature ovarian failure 15. Last evaluated: 2024-04-25. Review status: criteria provided, single submitter. Criteria: ACMG Guidelines, 2015. Collection method: clinical testing. Allele origin: germline.

Labcorp Genetics (formerly Invitae), Labcorp
Classification: Uncertain significance for Fanconi anemia. Last evaluated: 2021-11-01. Review status: criteria provided, single submitter. Criteria: Invitae Variant Classification Sherloc (09022015). Collection method: clinical testing. Allele origin: germline.
Comment: This variant has not been reported in the literature in individuals affected with FANCM-related conditions. Algorithms developed to predict the effect of missense changes on protein structure and function (SIFT, PolyPhen-2, Align-GVGD) all suggest that this variant is likely to be tolerated. ClinVar contains an entry for this variant (Variation ID: 1036669). This variant is not present in population databases (gnomAD no frequency). This sequence change replaces serine, which is neutral and polar, with arginine, which is basic and polar, at codon 776 of the FANCM protein (p.Ser776Arg). In summary, the available evidence is currently insufficient to determine the role of this variant in disease. Therefore, it has been classified as a Variant of Uncertain Significance. Algorithms developed to predict the effect of sequence changes on RNA splicing suggest that this variant may create or strengthen a splice site.